The following is an entry in ClinVar:

NM_001292034.3(TAB2):c.688C>A (p.Gln230Lys)

Genes: TAB2 (TGF-beta activated kinase 1 (MAP3K7) binding protein 2; plus strand), LOC126859827 (BRD4-independent group 4 enhancer GRCh37_chr6:149699707-149700906; plus strand). Cytogenetic location: 6q25.1.
Variant type: single nucleotide variant.
Coding change: c.688C>A on transcript NM_001292034.3 (MANE Select); coding-DNA position 688, C replaced by A.
Protein change: p.Gln230Lys; replaces glutamine 230 with lysine.
Molecular consequence: missense variant.
Genome position (GRCh38, 1-based): chr6:149,378,603, C>A. VCF-style: chr6-149378603-C-A. GRCh37 (hg19) VCF-style: chr6-149699739-C-A.
Other names: c.592C>A, p.Gln198Lys (NM_001292035.3); c.688C>A, p.Gln230Lys (NM_001369506.1, NM_015093.6); short protein forms Q230K, Q198K.
Identifiers: ClinVar variation 5212 (VCV000005212.5), dbSNP rs267607100, ClinGen allele CA117340.

ClinVar aggregate classification (germline): Uncertain significance. Review status: criteria provided, multiple submitters, no conflicts (2 of 4 stars). 3 submissions from 3 submitters: Uncertain significance (2). 1 of the submissions does not count toward it. Last evaluated 2025-12-03.

Conditions:
Congenital heart defects, multiple types, 2 (CHTD2). Also called: Congenital heart defects, nonsyndromic, 2. Identifiers: Orphanet 664401, MedGen C3554279, MONDO:0014000, OMIM 614980.

Allele frequency attached by ClinVar (database versions not stated): TOPMed 0.00001; gnomAD exomes 0.00002 and 0.00001; gnomAD 0.00001; ExAC 0.00002; ESP Exome Variant Server 0.00008.
gnomAD v4.1: 19 of 1,613,450 alleles (0.0012%); highest among the groups gnomAD compares: Non-Finnish European, 0.0015%; no homozygotes.

Submissions (3):

Labcorp Genetics (formerly Invitae), Labcorp
Classification: Uncertain significance. Last evaluated: 2025-12-03. Review status: criteria provided, single submitter. Criteria: Invitae Variant Classification Sherloc (09022015). Collection method: clinical testing. Allele origin: germline.
Comment: This sequence change replaces glutamine, which is neutral and polar, with lysine, which is basic and polar, at codon 230 of the TAB2 protein (p.Gln230Lys). This variant is present in population databases (rs267607100, gnomAD 0.003%). This missense change has been observed in individual(s) with clinical features of TAB2-related conditions (PMID: 20493459). ClinVar contains an entry for this variant (Variation ID: 5212). Invitae Evidence Modeling of protein sequence and biophysical properties (such as structural, functional, and spatial information, amino acid conservation, physicochemical variation, residue mobility, and thermodynamic stability) indicates that this missense variant is not expected to disrupt TAB2 protein function with a negative predictive value of 80%. Experimental studies have shown that this missense change affects TAB2 function (PMID: 36229919). In summary, the available evidence is currently insufficient to determine the role of this variant in disease. Therefore, it has been classified as a Variant of Uncertain Significance.

GeneDx
Classification: Uncertain significance. Last evaluated: 2024-06-04. Review status: criteria provided, single submitter. Criteria: GeneDx Variant Classification Process June 2021. Collection method: clinical testing. Allele origin: germline. Affected: yes.
Comment: Identified in a patient with biscuspid aortic valve and aortic dilation, a patient with Tetralogy of Fallot (TOF), and a patient with features of a connective tissue disorder (PMID: 20493459, 34328347, 35903967); Not observed at significant frequency in large population cohorts (gnomAD); In silico analysis indicates that this missense variant does not alter protein structure/function; This variant is associated with the following publications: (PMID: 36229919, 34328347, 35903967, 20493459)

OMIM
Classification: Pathogenic for CONGENITAL HEART DISEASE, MULTIPLE TYPES, 2. Last evaluated: 2010-06-11. Review status: no assertion criteria provided. Collection method: literature only. Allele origin: germline. Not counted in ClinVar's aggregate classification.

Literature cited by the submitters: PubMed 20493459 (cited by Labcorp Genetics (formerly Invitae), Labcorp and OMIM); PubMed 36229919 (cited by Labcorp Genetics (formerly Invitae), Labcorp).